The following is an entry in ClinVar:

NM_001354604.2(MITF):c.617A>T (p.Glu206Val)

Gene: MITF (melanocyte inducing transcription factor; plus strand). Cytogenetic location: 3p13.
Variant type: single nucleotide variant.
Coding change: c.617A>T on transcript NM_001354604.2 (MANE Select); coding-DNA position 617, A replaced by T.
Protein change: p.Glu206Val; replaces glutamic acid 206 with valine.
Molecular consequence: missense variant.
Genome position (GRCh38, 1-based): chr3:69,939,132, A>T. VCF-style: chr3-69939132-A-T. GRCh37 (hg19) VCF-style: chr3-69988283-A-T.
Other names: c.296A>T, p.Glu99Val (NM_000248.4, NM_198158.3); c.461A>T, p.Glu154Val (NM_001184967.2, NM_001354608.2); c.614A>T, p.Glu205Val (NM_001354605.2, NM_001354606.2, NM_006722.3); c.566A>T, p.Glu189Val (NM_001354607.2); c.617A>T, p.Glu206Val (NM_198159.3); c.569A>T, p.Glu190Val (NM_198177.3); c.128A>T, p.Glu43Val (NM_198178.3); short protein forms E154V, E189V, E190V, E205V, E206V, E43V, E99V.
Identifiers: ClinVar variation 3757467 (VCV003757467.2).

ClinVar aggregate classification (germline): Uncertain significance (1 of 4 stars; one submission).

Conditions:
Tietz syndrome (TADS). Also called: HYPOPIGMENTATION/DEAFNESS OF TIETZ; TIETZ ALBINISM-DEAFNESS SYNDROME; ALBINISM-DEAFNESS OF TIETZ. Identifiers: Orphanet 42665, MedGen C0391816, MONDO:0007077, OMIM 103500.
Waardenburg syndrome type 2A (WS2A). Also called: WAARDENBURG SYNDROME WITHOUT DYSTOPIA CANTHORUM. Identifiers: Orphanet 3440, MedGen C1860339, MONDO:0008671, OMIM 193510.
Melanoma, cutaneous malignant, susceptibility to, 8. Also called: MELANOMA AND RENAL CELL CARCINOMA, SUSCEPTIBILITY TO; Cutaneous malignant melanoma 8. Identifiers: Orphanet 293822, MedGen C3152204, MONDO:0013759, OMIM 614456.

Submission:

Labcorp Genetics (formerly Invitae), Labcorp
Classification: Uncertain significance for Melanoma, cutaneous malignant, susceptibility to, 8; Waardenburg syndrome type 2A; Tietz syndrome. Last evaluated: 2025-02-18. Review status: criteria provided, single submitter. Criteria: Invitae Variant Classification Sherloc (09022015). Collection method: clinical testing. Allele origin: germline.
Comment: This sequence change replaces glutamic acid, which is acidic and polar, with valine, which is neutral and non-polar, at codon 99 of the MITF protein (p.Glu99Val). This variant is not present in population databases (gnomAD no frequency). This variant has not been reported in the literature in individuals affected with MITF-related conditions. An algorithm developed to predict the effect of missense changes on protein structure and function (PolyPhen-2) suggests that this variant is likely to be tolerated. In summary, the available evidence is currently insufficient to determine the role of this variant in disease. Therefore, it has been classified as a Variant of Uncertain Significance.